The following is an entry in ClinVar:

ClinVar aggregate classification (germline): Benign/Likely benign. Review status: criteria provided, multiple submitters, no conflicts (2 of 4 stars). 7 submissions from 7 submitters: Benign (2); Likely benign (5). Last evaluated 2026-07-01.

Conditions:
SLC13A5-related disorder. Also called: SLC13A5-related condition.
Inborn genetic diseases. Identifiers: MedGen C0950123, MeSH D030342.
Developmental and epileptic encephalopathy, 25 (DEE25). Also called: Developmental and epileptic encephalopathy 25, with amelogenesis imperfecta; Epileptic encephalopathy, early infantile, 25, with amelogenesis imperfecta; Epileptic encephalopathy, early infantile, 25. Identifiers: Orphanet 442835, MedGen C4014621, MONDO:0014392, OMIM 615905.

Allele frequency attached by ClinVar (database versions not stated): gnomAD 0.00032; ExAC 0.00052; gnomAD exomes 0.00058 and 0.00028; TOPMed 0.00059; ESP Exome Variant Server 0.00062; 1000 Genomes Project 30x 0.00016; 1000 Genomes Project 0.00020.
gnomAD v4.1: 511 of 1,614,168 alleles (0.032%); highest among the groups gnomAD compares: African/African-American, 0.055%; 2 homozygotes.

Submissions (7):

CeGaT Center for Human Genetics Tuebingen
Classification: Likely benign. Last evaluated: 2026-07-01. Review status: criteria provided, single submitter. Criteria: CeGaT Center For Human Genetics Tuebingen Variant Classification Criteria Version 2. Collection method: clinical testing. Allele origin: germline. Affected: yes. Observed: 3 variant alleles.
Comment: SLC13A5: BP4, BP7

Labcorp Genetics (formerly Invitae), Labcorp
Classification: Benign for Developmental and epileptic encephalopathy, 25. Last evaluated: 2026-01-28. Review status: criteria provided, single submitter. Criteria: Invitae Variant Classification Sherloc (09022015). Collection method: clinical testing. Allele origin: germline.

PreventionGenetics, part of Exact Sciences
Classification: Likely benign for SLC13A5-related condition. Last evaluated: 2024-12-01. Review status: criteria provided, single submitter. Criteria: ACMG Guidelines, 2015. Collection method: clinical testing. Allele origin: germline.
Comment: This variant is classified as likely benign based on ACMG/AMP sequence variant interpretation guidelines (Richards et al. 2015 PMID: 25741868, with internal and published modifications).

Blueprint Genetics
Classification: Likely benign. Last evaluated: 2024-11-26. Review status: criteria provided, single submitter. Criteria: ACMG Guidelines, 2015. Collection method: clinical testing. Allele origin: germline.

Genome-Nilou Lab
Classification: Benign for Developmental and epileptic encephalopathy, 25. Last evaluated: 2021-07-15. Review status: criteria provided, single submitter. Criteria: ACMG Guidelines, 2015. Collection method: clinical testing. Allele origin: germline. Affected: no.

GeneDx
Classification: Likely benign. Last evaluated: 2020-11-03. Review status: criteria provided, single submitter. Criteria: GeneDx Variant Classification Process June 2021. Collection method: clinical testing. Allele origin: germline. Affected: yes.

Ambry Genetics
Classification: Likely benign for Inborn genetic diseases. Last evaluated: 2016-05-06. Review status: criteria provided, single submitter. Criteria: Ambry Variant Classification Scheme 2023. Collection method: clinical testing. Allele origin: germline.

NM_177550.5(SLC13A5):c.801C>T (p.Phe267=)

Gene: SLC13A5 (solute carrier family 13 member 5; minus strand). Cytogenetic location: 17p13.1.
Variant type: single nucleotide variant.
Coding change: c.801C>T on transcript NM_177550.5 (MANE Select); coding-DNA position 801, C replaced by T.
Protein change: p.Phe267=; no amino-acid change (phenylalanine 267 retained).
Molecular consequence: synonymous variant.
Genome position (GRCh38, 1-based): chr17:6,701,042, G>A on the plus strand (C>T on the coding strand, the complement: SLC13A5 is on the minus strand). VCF-style: chr17-6701042-G-A. GRCh37 (hg19) VCF-style: chr17-6604361-G-A.
Other names: c.801C>T, p.Phe267= (NM_001143838.3); c.750C>T, p.Phe250= (NM_001284509.2); c.672C>T, p.Phe224= (NM_001284510.2).
Identifiers: ClinVar variation 383465 (VCV000383465.54), dbSNP rs200645836, ClinGen allele CA8331605.